The following is an entry in ClinVar:

ClinVar aggregate classification (germline): Uncertain significance. Review status: criteria provided, multiple submitters, no conflicts (2 of 4 stars). 3 submissions from 3 submitters: Uncertain significance (2). 1 of the submissions does not count toward it. Last evaluated 2025-02-10.

Conditions:
Mucolipidosis type II. Also called: Mucolipidosis 2; ML 2; Inclusion cell disease; Leroy Disease; N-acetylglucosamine 1phosphotransferase deficiency; ML disorder type 2. Identifiers: Orphanet 576, MedGen C2673377, MONDO:0009650, OMIM 252500.
Pseudo-Hurler polydystrophy. Also called: Type III Mucolipidosis; ML IIIA; Mucolipidosis III Alpha/Beta; MUCOLIPIDOSIS IIIA; ML III; ML III ALPHA/BETA. Identifiers: Orphanet 423461, Orphanet 577, MedGen C0033788, MONDO:0018931, OMIM 252600.

Allele frequency attached by ClinVar (database versions not stated): TOPMed 0.00001; ExAC 0.00003; ESP Exome Variant Server 0.00008; gnomAD 0.00001; gnomAD exomes 0.00001.
gnomAD v4.1: 5 of 1,613,500 alleles (0.00031%); highest among the groups gnomAD compares: Non-Finnish European, 0.00042%; no homozygotes.

Submissions (3):

Labcorp Genetics (formerly Invitae), Labcorp
Classification: Uncertain significance for Pseudo-Hurler polydystrophy; Mucolipidosis type II. Last evaluated: 2025-02-10. Review status: criteria provided, single submitter. Criteria: Invitae Variant Classification Sherloc (09022015). Collection method: clinical testing. Allele origin: germline.
Comment: This sequence change replaces serine, which is neutral and polar, with glycine, which is neutral and non-polar, at codon 321 of the GNPTAB protein (p.Ser321Gly). This variant is present in population databases (rs137853824, gnomAD 0.003%). This variant has not been reported in the literature in individuals affected with GNPTAB-related conditions. ClinVar contains an entry for this variant (Variation ID: 68106). Invitae Evidence Modeling of protein sequence and biophysical properties (such as structural, functional, and spatial information, amino acid conservation, physicochemical variation, residue mobility, and thermodynamic stability) indicates that this missense variant is expected to disrupt GNPTAB protein function with a positive predictive value of 80%. Experimental studies have shown that this missense change affects GNPTAB function (PMID: 31405983). In summary, the available evidence is currently insufficient to determine the role of this variant in disease. Therefore, it has been classified as a Variant of Uncertain Significance.

Women's Health and Genetics/Laboratory Corporation of America, LabCorp
Classification: Uncertain significance. Last evaluated: 2023-08-28. Review status: criteria provided, single submitter. Criteria: LabCorp Variant Classification Summary - May 2015. Collection method: clinical testing. Allele origin: germline.
Comment: Variant summary: GNPTAB c.961A>G (p.Ser321Gly) results in a non-conservative amino acid change in the encoded protein sequence. Five of five in-silico tools predict a damaging effect of the variant on protein function. The variant allele was found at a frequency of 1.2e-05 in 251076 control chromosomes (gnomAD). The available data on variant occurrences in the general population are insufficient to allow any conclusion about variant significance. c.961A>G has been reported in the literature in an individual affected with nonsyndromic stuttering (Kang_2010). This report does not provide unequivocal conclusions about association of the variant with Mucolipidosis. One publication reports a mouse model of the variant, finding a vocalization deficit and reduced Gnptab expression in astrocytes in mice homozygous with the variant (Han_2019). The following publications have been ascertained in the context of this evaluation (PMID: 20147709, 31405983). One submitter has cited a clinical-significance assessment for this variant to ClinVar after 2014 and has classified the variant as uncertain significance. Based on the evidence outlined above, the variant was classified as uncertain significance.

SNPedia
No classification provided. Review status: no classification provided. Collection method: not provided. Allele origin: germline. Not counted in ClinVar's aggregate classification.

Literature cited by the submitters: PubMed 31405983 (cited by Labcorp Genetics (formerly Invitae), Labcorp and Women's Health and Genetics/Laboratory Corporation of America, LabCorp); PubMed 20147709 (cited by Women's Health and Genetics/Laboratory Corporation of America, LabCorp).

NM_024312.5(GNPTAB):c.961A>G (p.Ser321Gly)

Gene: GNPTAB (N-acetylglucosamine-1-phosphate transferase subunits alpha and beta; minus strand). Cytogenetic location: 12q23.2.
Variant type: single nucleotide variant.
Coding change: c.961A>G on transcript NM_024312.5 (MANE Select); coding-DNA position 961, A replaced by G.
Protein change: p.Ser321Gly; replaces serine 321 with glycine.
Molecular consequence: missense variant.
Genome position (GRCh38, 1-based): chr12:101,770,558, T>C on the plus strand (A>G on the coding strand, the complement: GNPTAB is on the minus strand). VCF-style: chr12-101770558-T-C. GRCh37 (hg19) VCF-style: chr12-102164336-T-C.
Other names: short protein forms S321G.
Identifiers: ClinVar variation 68106 (VCV000068106.4), dbSNP rs137853824, ClinGen allele CA284843.